The following is an entry in ClinVar:

ClinVar aggregate classification (germline): Pathogenic. Review status: criteria provided, multiple submitters, no conflicts (2 of 4 stars). 4 submissions from 4 submitters: Pathogenic (4). Last evaluated 2024-06-19.

Conditions:
Cardiovascular phenotype. Identifiers: MedGen CN230736.
Telangiectasia, hereditary hemorrhagic, type 1 (HHT1). Also called: Osler Weber Rendu syndrome type 1; ENG-Related Hereditary Hemorrhagic Telangiectasia. Identifiers: Orphanet 774, MedGen C4551861, MONDO:0008535, OMIM 187300. Disease mechanism: loss of function.
Hereditary hemorrhagic telangiectasia (HHT). Also called: Osler hemorrhagic telangiectasia syndrome; ORW DISEASE; Osler Weber Rendu syndrome; OSLER-RENDU-WEBER DISEASE. Identifiers: Orphanet 774, MedGen C0039445, MONDO:0019180. Disease mechanism: loss of function.

Submissions (4):

Labcorp Genetics (formerly Invitae), Labcorp
Classification: Pathogenic for Hereditary hemorrhagic telangiectasia. Last evaluated: 2024-06-19. Review status: criteria provided, single submitter. Criteria: Invitae Variant Classification Sherloc (09022015). Collection method: clinical testing. Allele origin: germline.
Comment: This sequence change creates a premature translational stop signal (p.Gln471*) in the ENG gene. It is expected to result in an absent or disrupted protein product. Loss-of-function variants in ENG are known to be pathogenic (PMID: 15879500). This variant is not present in population databases (gnomAD no frequency). This premature translational stop signal has been observed in individual(s) with hereditary hemorrhagic telangiectasia (PMID: 24196379). ClinVar contains an entry for this variant (Variation ID: 983198). For these reasons, this variant has been classified as Pathogenic.

ARUP Laboratories, Molecular Genetics and Genomics, ARUP Laboratories
Classification: Pathogenic for Telangiectasia, hereditary hemorrhagic, type 1. Last evaluated: 2021-04-06. Review status: criteria provided, single submitter. Criteria: ARUP Molecular Germline Variant Investigation Process 2021. Collection method: clinical testing. Allele origin: germline.
Comment: The ENG c.1411C>T; p.Gln471Ter variant has been described in individuals with hereditary hemorrhagic telangiectasia (Komiyama 2014, Shovlin 2020). The variant is listed in the ClinVar database (Variation ID: 983198) but is absent from general population databases (Exome Variant Server, Genome Aggregation Database), indicating it is not a common polymorphism. This variant induces an early termination codon and is predicted to result in a truncated protein or mRNA subject to nonsense-mediated decay. Based on available information, this variant is considered to be pathogenic. References: Komiyama M et al. Hereditary hemorrhagic telangiectasia in Japanese patients. J Hum Genet. 2014 Jan;59(1):37-41. PMID: 24196379. Shovlin CL et al. Mutational and phenotypic characterization of hereditary hemorrhagic telangiectasia. Blood. 2020 Oct 22;136(17):1907-1918. PMID: 32573726.

NIHR Bioresource Rare Diseases, University of Cambridge
Classification: Pathogenic for Telangiectasia, hereditary hemorrhagic, type 1. Last evaluated: 2018-01-01. Review status: criteria provided, single submitter. Criteria: ACMG Guidelines, 2015. Collection method: research. Allele origin: unknown. Affected: yes. Observed: 1 variant allele.
Comment: PVS1+PM2+PP4

Ambry Genetics
Classification: Pathogenic for Cardiovascular phenotype. Last evaluated: 2016-09-29. Review status: criteria provided, single submitter. Criteria: Ambry Variant Classification Scheme 2023. Collection method: clinical testing. Allele origin: germline.
Comment: The p.Q471* pathogenic mutation (also known as c.1411C>T), located in coding exon 11 of the ENG gene, results from a C to T substitution at nucleotide position 1411. This changes the amino acid from a glutamine to a stop codon within coding exon 11. This alteration is expected to result in loss of function by premature protein truncation or nonsense-mediated mRNA decay. This alteration was reported in a Japanese family with hereditary hemorrhagic telangiectasia (Komiyama M et al. J. Hum. Genet., 2014 Jan;59:37-41). As such, this alteration is interpreted as a disease-causing mutation.

Literature cited by the submitters: PubMed 15879500 (cited by Labcorp Genetics (formerly Invitae), Labcorp); PubMed 24196379 (cited by Labcorp Genetics (formerly Invitae), Labcorp and Ambry Genetics); PubMed 32573726 (cited by NIHR Bioresource Rare Diseases, University of Cambridge).

NM_001114753.3(ENG):c.1411C>T (p.Gln471Ter)

Genes: ENG (endoglin; minus strand), LOC102723566 (uncharacterized LOC102723566; plus strand). Cytogenetic location: 9q34.11.
Variant type: single nucleotide variant.
Coding change: c.1411C>T on transcript NM_001114753.3 (MANE Select); coding-DNA position 1411, C replaced by T.
Protein change: p.Gln471Ter; replaces glutamine 471 with a stop codon.
Molecular consequence: nonsense.
Genome position (GRCh38, 1-based): chr9:127,818,733, G>A on the plus strand (C>T on the coding strand, the complement: ENG is on the minus strand). VCF-style: chr9-127818733-G-A. GRCh37 (hg19) VCF-style: chr9-130581012-G-A.
Other names: c.1411C>T, p.Gln471Ter (NM_000118.4); c.865C>T, p.Gln289Ter (NM_001278138.2); short protein forms Q289*, Q471*.
Identifiers: ClinVar variation 983198 (VCV000983198.13), dbSNP rs1830395639, ClinGen allele CA374976688.